The following is an entry in ClinVar:

NM_001347886.2(DNAH3):c.5371C>G (p.Leu1791Val)

Gene: DNAH3 (dynein axonemal heavy chain 3; minus strand). Cytogenetic location: 16p12.3.
Variant type: single nucleotide variant.
Coding change: c.5371C>G on transcript NM_001347886.2 (MANE Select); coding-DNA position 5371, C replaced by G.
Protein change: p.Leu1791Val; replaces leucine 1791 with valine.
Molecular consequence: missense variant.
Genome position (GRCh38, 1-based): chr16:21,027,058, G>C on the plus strand (C>G on the coding strand, the complement: DNAH3 is on the minus strand). VCF-style: chr16-21027058-G-C. GRCh37 (hg19) VCF-style: chr16-21038380-G-C.
Other names: c.5509C>G, p.Leu1837Val (NM_017539.2); short protein forms L1791V, L1837V.
Identifiers: ClinVar variation 5020671 (VCV005020671.1).

ClinVar aggregate classification (germline): Uncertain significance (1 of 4 stars; one submission).

gnomAD v4.1: 2 of 1,613,670 alleles (0.00012%); highest among the groups gnomAD compares: Non-Finnish European, 0.00017%; no homozygotes.

Submission:

Dasa
Classification: Uncertain significance. Last evaluated: 2026-04-18. Review status: criteria provided, single submitter. Criteria: DASA Assertion Criteria. Collection method: clinical testing. Allele origin: germline.
Comment: NM_001347886.2(DNAH3):c.5371C>G (p.Leu1791Val) is a missense variant that results in the substitution of leucine with valine. This variant is rare in population databases. Computational prediction algorithms are consistent with a deleterious effect. The currently available literature and clinical evidence are not sufficient to establish a definitive association between this variant and the reported condition. Therefore, this variant is classified as a variant of uncertain significance.